The following is an entry in ClinVar:

NM_176818.3(GATC):c.228G>A (p.Glu76=)

Genes: GATC (glutamyl-tRNA amidotransferase subunit C; plus strand), LOC112163529 (BRD4-independent group 4 enhancer GRCh37_chr12:120883528-120884727; plus strand). Cytogenetic location: 12q24.31.
Variant type: single nucleotide variant.
Coding change: c.228G>A on transcript NM_176818.3 (MANE Select); coding-DNA position 228, G replaced by A.
Protein change: p.Glu76=; no amino-acid change (glutamic acid 76 retained).
Molecular consequence: synonymous variant. On other transcripts: non-coding transcript variant (1).
Genome position (GRCh38, 1-based): chr12:120,446,803, G>A. VCF-style: chr12-120446803-G-A. GRCh37 (hg19) VCF-style: chr12-120884606-G-A.
Identifiers: ClinVar variation 4084366 (VCV004084366.8).
Genomic context (GRCh38, chr12:120,446,803, plus strand): 5'-ACTGGAGAAAGCTATCGCCTTCGCCGACCGGCTACGCGCCGTGGACACAGACGGGGTGGA[G>A]CCCATGGAATCGGTCCTGGAGGACAGGTAAACTCGCGGCTGCAGCCCCGAAGCCTTGACC-3'
Protein context (NP_789788.1, residues 66-86): RLRAVDTDGV[Glu76=]PMESVLEDRC

ClinVar aggregate classification (germline): Likely benign (1 of 4 stars; one submission).

gnomAD v4.1: 234 of 1,613,230 alleles (0.015%); highest among the groups gnomAD compares: South Asian, 0.14%; no homozygotes.

Submission:

CeGaT Center for Human Genetics Tuebingen
Classification: Likely benign. Last evaluated: 2025-07-01. Review status: criteria provided, single submitter. Criteria: CeGaT Center For Human Genetics Tuebingen Variant Classification Criteria Version 2. Collection method: clinical testing. Allele origin: germline. Affected: yes. Observed: 1 variant allele.
Comment: GATC: BP4, BP7